The following is an entry in ClinVar:

ClinVar aggregate classification (germline): Uncertain significance. Review status: criteria provided, multiple submitters, no conflicts (2 of 4 stars). 2 submissions from 2 submitters: Uncertain significance (2). Last evaluated 2025-10-01.

Conditions:
Inborn genetic diseases. Identifiers: MedGen C0950123, MeSH D030342.
Joubert syndrome. Also called: JOUBERT-BOLTSHAUSER SYNDROME; Familial aplasia of the vermis. Identifiers: Orphanet 475, MedGen C5979921, MONDO:0018772.
Meckel-Gruber syndrome. Also called: DYSENCEPHALIA SPLANCHNOCYSTICA; GRUBER SYNDROME; Dysencephalia splachnocystica. Identifiers: Orphanet 564, MedGen C0265215, MONDO:0018921.

Allele frequency attached by ClinVar (database versions not stated): gnomAD 0.00001; gnomAD exomes 0.00002; TOPMed 0.00002.
gnomAD v4.1: 32 of 1,551,488 alleles (0.0021%); highest among the groups gnomAD compares: Middle Eastern, 0.017%; no homozygotes.

Submissions (2):

Labcorp Genetics (formerly Invitae), Labcorp
Classification: Uncertain significance for Joubert syndrome; Meckel-Gruber syndrome. Last evaluated: 2025-10-01. Review status: criteria provided, single submitter. Criteria: Invitae Variant Classification Sherloc (09022015). Collection method: clinical testing. Allele origin: germline.
Comment: This sequence change replaces isoleucine, which is neutral and non-polar, with valine, which is neutral and non-polar, at codon 1238 of the CC2D2A protein (p.Ile1238Val). This variant is present in population databases (no rsID available, gnomAD 0.006%). This variant has not been reported in the literature in individuals affected with CC2D2A-related conditions. ClinVar contains an entry for this variant (Variation ID: 1483228). Invitae Evidence Modeling of protein sequence and biophysical properties (such as structural, functional, and spatial information, amino acid conservation, physicochemical variation, residue mobility, and thermodynamic stability) indicates that this missense variant is not expected to disrupt CC2D2A protein function with a negative predictive value of 95%. In summary, the available evidence is currently insufficient to determine the role of this variant in disease. Therefore, it has been classified as a Variant of Uncertain Significance.

Ambry Genetics
Classification: Uncertain significance for Inborn genetic diseases. Last evaluated: 2025-06-07. Review status: criteria provided, single submitter. Criteria: Ambry Variant Classification Scheme 2023. Collection method: clinical testing. Allele origin: germline.

NM_001378615.1(CC2D2A):c.3712A>G (p.Ile1238Val)

Genes: FBXL5 (F-box and leucine rich repeat protein 5; minus strand), CC2D2A (coiled-coil and C2 domain containing 2A; plus strand). Cytogenetic location: 4p15.32.
Variant type: single nucleotide variant.
Coding change: c.3712A>G on transcript NM_001378615.1 (MANE Select); coding-DNA position 3712, A replaced by G.
Protein change: p.Ile1238Val; replaces isoleucine 1238 with valine.
Molecular consequence: missense variant.
Genome position (GRCh38, 1-based): chr4:15,574,267, A>G. VCF-style: chr4-15574267-A-G. GRCh37 (hg19) VCF-style: chr4-15575890-A-G.
Other names: c.3712A>G, p.Ile1238Val (NM_001080522.2); c.3565A>G, p.Ile1189Val (NM_001378617.1); short protein forms I1238V, I1189V.
Identifiers: ClinVar variation 1483228 (VCV001483228.7), dbSNP rs964134322, ClinGen allele CA92519143.